The following is an entry in ClinVar:

NM_032447.5(FBN3):c.5547C>T (p.Asp1849=)

Gene: FBN3 (fibrillin 3; minus strand). Cytogenetic location: 19p13.2.
Variant type: single nucleotide variant.
Coding change: c.5547C>T on transcript NM_032447.5 (MANE Select); coding-DNA position 5547, C replaced by T.
Protein change: p.Asp1849=; no amino-acid change (aspartic acid 1849 retained).
Molecular consequence: synonymous variant.
Genome position (GRCh38, 1-based): chr19:8,096,073, G>A on the plus strand (C>T on the coding strand, the complement: FBN3 is on the minus strand). VCF-style: chr19-8096073-G-A. GRCh37 (hg19) VCF-style: chr19-8160957-G-A.
Other names: c.5547C>T, p.Asp1849= (NM_001321431.2).
Identifiers: ClinVar variation 2649188 (VCV002649188.25), dbSNP rs201513367, ClinGen allele CA9151612.
Genomic context (GRCh38, chr19:8,096,073, plus strand): 5'-GTTGTAGGAGCCAATGATGTTCTTGCAGGTCCCATTTCCACAAGGCTGCCGGTCACACTC[G>A]TCAATGTCTGCAGAAGCAAAGCCGAGAGCCCAACCCAGCTCACCCAGGGCATTGGGGAAC-3'
Protein context (NP_115823.3, residues 1839-1859): SADQTLCMDI[Asp1849=]ECDRQPCGNG

ClinVar aggregate classification (germline): Likely benign. Review status: criteria provided, multiple submitters, no conflicts (2 of 4 stars). 2 submissions from 2 submitters: Likely benign (2). Last evaluated 2025-07-29.

Allele frequency attached by ClinVar (database versions not stated): TOPMed 0.00007; gnomAD exomes 0.00008; gnomAD 0.00015; ExAC 0.00016; 1000 Genomes Project 30x 0.00031; 1000 Genomes Project 0.00040.
gnomAD v4.1: 141 of 1,613,032 alleles (0.0087%); highest among the groups gnomAD compares: South Asian, 0.069%; 1 homozygote.

Submissions (2):

Labcorp Genetics (formerly Invitae), Labcorp
Classification: Likely benign. Last evaluated: 2025-07-29. Review status: criteria provided, single submitter. Criteria: Invitae Variant Classification Sherloc (09022015). Collection method: clinical testing. Allele origin: germline.

CeGaT Center for Human Genetics Tuebingen
Classification: Likely benign. Last evaluated: 2023-04-01. Review status: criteria provided, single submitter. Criteria: CeGaT Center For Human Genetics Tuebingen Variant Classification Criteria Version 2. Collection method: clinical testing. Allele origin: germline. Affected: yes. Observed: 1 variant allele.
Comment: FBN3: BP4, BP7